The following is an entry in ClinVar:

NM_004525.3(LRP2):c.11870C>T (p.Ser3957Phe)

Gene: LRP2 (LDL receptor related protein 2; minus strand). Cytogenetic location: 2q31.1.
Variant type: single nucleotide variant.
Coding change: c.11870C>T on transcript NM_004525.3 (MANE Select); coding-DNA position 11870, C replaced by T.
Protein change: p.Ser3957Phe; replaces serine 3957 with phenylalanine.
Molecular consequence: missense variant.
Genome position (GRCh38, 1-based): chr2:169,162,489, G>A on the plus strand (C>T on the coding strand, the complement: LRP2 is on the minus strand). VCF-style: chr2-169162489-G-A. GRCh37 (hg19) VCF-style: chr2-170018999-G-A.
Other names: c.11870C>T (NM_004525.2); short protein forms S3957F.
Identifiers: ClinVar variation 1101719 (VCV001101719.13), dbSNP rs143400476, ClinGen allele CA1952945.

ClinVar aggregate classification (germline): Likely benign. Review status: criteria provided, multiple submitters, no conflicts (2 of 4 stars). 4 submissions from 4 submitters: Likely benign (3). 1 of the submissions does not count toward it. Last evaluated 2026-01-26.

Conditions:
LRP2-related disorder. Also called: LRP2-related condition.
Inborn genetic diseases. Identifiers: MedGen C0950123, MeSH D030342.

Allele frequency attached by ClinVar (database versions not stated): gnomAD exomes 0.00010 and 0.00023; ExAC 0.00030; 1000 Genomes Project 0.00080; ESP Exome Variant Server 0.00085; gnomAD 0.00086 and 0.00091; TOPMed 0.00094; 1000 Genomes Project 30x 0.00125.
gnomAD v4.1: 271 of 1,614,118 alleles (0.017%); highest among the groups gnomAD compares: African/African-American, 0.33%; no homozygotes.

Submissions (4):

Labcorp Genetics (formerly Invitae), Labcorp
Classification: Likely benign. Last evaluated: 2026-01-26. Review status: criteria provided, single submitter. Criteria: Invitae Variant Classification Sherloc (09022015). Collection method: clinical testing. Allele origin: germline.

Ambry Genetics
Classification: Likely benign for Inborn genetic diseases. Last evaluated: 2025-12-09. Review status: criteria provided, single submitter. Criteria: Ambry Variant Classification Scheme 2023. Collection method: clinical testing. Allele origin: germline.

Blueprint Genetics
Classification: Likely benign. Last evaluated: 2024-09-13. Review status: criteria provided, single submitter. Criteria: ACMG Guidelines, 2015. Collection method: clinical testing. Allele origin: germline.

PreventionGenetics, part of Exact Sciences
Classification: Likely benign for LRP2-related condition. Last evaluated: 2024-02-27. Review status: no assertion criteria provided. Collection method: clinical testing. Allele origin: germline. Not counted in ClinVar's aggregate classification.
Comment: This variant is classified as likely benign based on ACMG/AMP sequence variant interpretation guidelines (Richards et al. 2015 PMID: 25741868, with internal and published modifications).